The following is an entry in ClinVar:

NM_006348.5(COG5):c.17G>A (p.Gly6Asp)

Gene: COG5 (component of oligomeric golgi complex 5; minus strand). Cytogenetic location: 7q22.3.
Variant type: single nucleotide variant.
Coding change: c.17G>A on transcript NM_006348.5 (MANE Select); coding-DNA position 17, G replaced by A.
Protein change: p.Gly6Asp; replaces glycine 6 with aspartic acid.
Molecular consequence: missense variant.
Genome position (GRCh38, 1-based): chr7:107,563,880, C>T on the plus strand (G>A on the coding strand, the complement: COG5 is on the minus strand). VCF-style: chr7-107563880-C-T. GRCh37 (hg19) VCF-style: chr7-107204325-C-T.
Other names: c.17G>A, p.Gly6Asp (NM_001161520.2, NM_001379511.1, NM_001379512.1 and 5 more transcripts); short protein forms G6D.
Identifiers: ClinVar variation 911802 (VCV000911802.10), dbSNP rs919495599, ClinGen allele CA164174499.
Genomic context (GRCh38, chr7:107,563,880, plus strand): 5'-CGGACTGTAGCTGCAGCCGCTCCAGAGCCTCGAGCTCCGAGGCCAGCTACAGCGACGCTG[C>T]CGCCGCCACCTTCCATGTTGGCAGGTGCCGGGTTGATGTCGTCAGCAGCAGAACGGCTCC-3'
Protein context (NP_006339.4, residues 1-16): MEGGG[Gly6Asp]SVAVAGLGAR

ClinVar aggregate classification (germline): Uncertain significance. Review status: criteria provided, multiple submitters, no conflicts (2 of 4 stars). 2 submissions from 2 submitters: Uncertain significance (2). Last evaluated 2025-06-20.

Conditions:
COG5-congenital disorder of glycosylation. Also called: CDG IIi; COG5-CDG; CONGENITAL DISORDER OF GLYCOSYLATION, TYPE IIi. Identifiers: Orphanet 263487, MedGen C3150876, MONDO:0013325, OMIM 613612.

Allele frequency attached by ClinVar (database versions not stated): gnomAD exomes below 0.00001; gnomAD 0.00001; TOPMed 0.00001.
gnomAD v4.1: 4 of 1,613,616 alleles (0.00025%); highest among the groups gnomAD compares: Non-Finnish European, 0.00034%; no homozygotes.

Submissions (2):

Labcorp Genetics (formerly Invitae), Labcorp
Classification: Uncertain significance for COG5-congenital disorder of glycosylation. Last evaluated: 2025-06-20. Review status: criteria provided, single submitter. Criteria: Invitae Variant Classification Sherloc (09022015). Collection method: clinical testing. Allele origin: germline.
Comment: This sequence change replaces glycine, which is neutral and non-polar, with aspartic acid, which is acidic and polar, at codon 37 of the COG5 protein (p.Gly37Asp). This variant is not present in population databases (gnomAD no frequency). This variant has not been reported in the literature in individuals affected with COG5-related conditions. ClinVar contains an entry for this variant (Variation ID: 911802). An algorithm developed to predict the effect of missense changes on protein structure and function (PolyPhen-2) suggests that this variant is likely to be tolerated. In summary, the available evidence is currently insufficient to determine the role of this variant in disease. Therefore, it has been classified as a Variant of Uncertain Significance.

Illumina Laboratory Services, Illumina
Classification: Uncertain significance for COG5-congenital disorder of glycosylation. Last evaluated: 2018-01-13. Review status: criteria provided, single submitter. Criteria: ICSL Variant Classification Criteria 13 December 2019. Collection method: clinical testing. Allele origin: germline.